The following is an entry in ClinVar:

NM_001365536.1(SCN9A):c.2454_2458del (p.Leu818fs)

Genes: SCN9A (sodium voltage-gated channel alpha subunit 9; minus strand), SCN1A-AS1 (SCN1A and SCN9A antisense RNA 1; plus strand). Cytogenetic location: 2q24.3.
Variant type: Deletion.
Coding change: c.2454_2458del on transcript NM_001365536.1 (MANE Select); coding-DNA positions 2454 to 2458, 5 bases deleted (AAGTT; older notation c.2454_2458delAAGTT).
Protein change: p.Leu818fs; shifts the reading frame from leucine 818.
Molecular consequence: frameshift variant.
Genome position (GRCh38, 1-based): chr2:166,278,199-166,278,203, AACTT deleted on the plus strand (AAGTT on the coding strand, the reverse complement: SCN9A is on the minus strand); deleting any 5 consecutive bases within chr2:166,278,199-166,278,205 gives the same sequence; the c. name uses the placement nearest the transcript's 3' end. VCF-style (leftmost placement, unchanged base first): chr2-166278198-AAACTT-A. GRCh37 (hg19) VCF-style: chr2-167134708-AAACTT-A.
Other names: c.2421_2425delAAGTT (NM_002977.3); c.2419_2423delTTAAG, p.Leu807Phefs (NM_002977.4); short protein forms L818fs.
Identifiers: ClinVar variation 471099 (VCV000471099.10), dbSNP rs766212849, ClinGen allele CA1944269.
Genomic context (GRCh38, chr2:166,278,198, plus strand): 5'-ACCAGTCTGAATGATCGCAGAACTGACAATCCTTCCACATCTGCTAGAAAGAGCTCCACT[AAACTT>A]AAAGTCACAATAAGGCTGTCAAAAATATTCCAGCCTACTTGGAAATACTCATATGGATCC-3'

ClinVar aggregate classification (germline): Pathogenic. Review status: criteria provided, multiple submitters, no conflicts (2 of 4 stars). 2 submissions from 2 submitters: Pathogenic (2). Last evaluated 2023-05-22.

Conditions:
Channelopathy-associated congenital insensitivity to pain, autosomal recessive. Also called: ASYMBOLIA FOR PAIN; CONGENITAL ANALGESIA, AUTOSOMAL RECESSIVE; Insensitivity to pain, channelopathy-associated. Identifiers: Orphanet 88642, Orphanet 970, MedGen C1855739, MONDO:0009459, OMIM 243000.
Neuropathy, hereditary sensory and autonomic, type 2A (HSAN2A). Also called: ACROOSTEOLYSIS, NEUROGENIC; ACROOSTEOLYSIS, GIACCAI TYPE; MORVAN DISEASE; NEUROPATHY, CONGENITAL SENSORY; NEUROPATHY, HEREDITARY SENSORY RADICULAR, AUTOSOMAL RECESSIVE; NEUROPATHY, HEREDITARY SENSORY, TYPE IIA. Identifiers: Orphanet 970, MedGen C2752089, MONDO:0024309, OMIM 201300.
Generalized epilepsy with febrile seizures plus, type 7 (GEFSP7). Also called: GEFS+, TYPE 7. Identifiers: Orphanet 36387, MedGen C2751778, MONDO:0013470, OMIM 613863.

Submissions (2):

Labcorp Genetics (formerly Invitae), Labcorp
Classification: Pathogenic for Neuropathy, hereditary sensory and autonomic, type 2A; Generalized epilepsy with febrile seizures plus, type 7. Last evaluated: 2023-05-22. Review status: criteria provided, single submitter. Criteria: Invitae Variant Classification Sherloc (09022015). Collection method: clinical testing. Allele origin: germline.
Comment: For these reasons, this variant has been classified as Pathogenic. Algorithms developed to predict the effect of sequence changes on RNA splicing suggest that this variant may disrupt the consensus splice site. ClinVar contains an entry for this variant (Variation ID: 471099). This variant has not been reported in the literature in individuals affected with SCN9A-related conditions. This variant is not present in population databases (gnomAD no frequency). This sequence change creates a premature translational stop signal (p.Leu807Phefs*38) in the SCN9A gene. It is expected to result in an absent or disrupted protein product. Loss-of-function variants in SCN9A are known to be pathogenic (PMID: 17470132, 19304393).

Baylor Genetics
Classification: Pathogenic for Channelopathy-associated congenital insensitivity to pain, autosomal recessive. Last evaluated: 2017-09-01. Review status: criteria provided, single submitter. Criteria: ACMG Guidelines, 2015. Collection method: clinical testing. Allele origin: inherited. Inheritance: Autosomal recessive inheritance. Affected: yes.

Literature cited by the submitters: PubMed 17470132 (cited by Labcorp Genetics (formerly Invitae), Labcorp); PubMed 19304393 (cited by Labcorp Genetics (formerly Invitae), Labcorp); PubMed 25326635 (cited by Baylor Genetics).